The following is an entry in ClinVar:

NM_001378609.3(OTOGL):c.3513C>T (p.Gly1171=)

Gene: OTOGL (otogelin like; plus strand). Cytogenetic location: 12q21.31.
Variant type: single nucleotide variant.
Coding change: c.3513C>T on transcript NM_001378609.3 (MANE Select); coding-DNA position 3513, C replaced by T.
Protein change: p.Gly1171=; no amino-acid change (glycine 1171 retained).
Molecular consequence: synonymous variant.
Genome position (GRCh38, 1-based): chr12:80,313,538, C>T. VCF-style: chr12-80313538-C-T. GRCh37 (hg19) VCF-style: chr12-80707318-C-T.
Other names: c.3378C>T, p.Gly1126= (NM_001368062.3); c.3513C>T, p.Gly1171= (NM_001378610.3, NM_173591.7).
Identifiers: ClinVar variation 512845 (VCV000512845.46), dbSNP rs145834039, ClinGen allele CA6701107.

ClinVar aggregate classification (germline): Benign. Review status: criteria provided, multiple submitters, no conflicts (2 of 4 stars). 5 submissions from 5 submitters: Benign (4). 1 of the submissions does not count toward it. Last evaluated 2026-01-27.

Conditions:
OTOGL-related disorder. Also called: OTOGL-related condition.

Allele frequency attached by ClinVar (database versions not stated): TOPMed 0.00105; ESP Exome Variant Server 0.00108; gnomAD 0.00121 and 0.00155; gnomAD exomes 0.00163 and 0.00253; ExAC 0.00283; 1000 Genomes Project 30x 0.00375; 1000 Genomes Project 0.00419.
gnomAD v4.1: 2,645 of 1,611,976 alleles (0.16%); highest among the groups gnomAD compares: East Asian, 2.8%; 31 homozygotes.

Submissions (5):

Labcorp Genetics (formerly Invitae), Labcorp
Classification: Benign. Last evaluated: 2026-01-27. Review status: criteria provided, single submitter. Criteria: Invitae Variant Classification Sherloc (09022015). Collection method: clinical testing. Allele origin: germline.

CeGaT Center for Human Genetics Tuebingen
Classification: Benign. Last evaluated: 2024-04-01. Review status: criteria provided, single submitter. Criteria: CeGaT Center For Human Genetics Tuebingen Variant Classification Criteria Version 2. Collection method: clinical testing. Allele origin: germline. Affected: yes. Observed: 2 variant alleles.
Comment: OTOGL: BP4, BP7, BS1, BS2

GeneDx
Classification: Benign. Last evaluated: 2019-12-09. Review status: criteria provided, single submitter. Criteria: GeneDx Variant Classification Process June 2021. Collection method: clinical testing. Allele origin: germline. Affected: yes.

Laboratory for Molecular Medicine, Mass General Brigham Personalized Medicine
Classification: Benign. Last evaluated: 2014-11-24. Review status: criteria provided, single submitter. Criteria: LMM Criteria. Collection method: clinical testing. Allele origin: germline. Observed: 1 variant allele.
Comment: Gly1162Gly in exon 30 of OTOGL: This variant is not expected to have clinical si gnificance because it does not alter an amino acid residue and is not located wi thin the splice consensus sequence. It has been identified in 5.1% (9/178) of Ja panese chromosomes from a broad population by the 1000 Genomes Project (dbSNP rs145834039).

PreventionGenetics, part of Exact Sciences
Classification: Benign for OTOGL-related condition. Last evaluated: 2019-09-04. Review status: no assertion criteria provided. Collection method: clinical testing. Allele origin: germline. Not counted in ClinVar's aggregate classification.
Comment: This variant is classified as benign based on ACMG/AMP sequence variant interpretation guidelines (Richards et al. 2015 PMID: 25741868, with internal and published modifications).